The following is an entry in ClinVar:

ClinVar aggregate classification (germline): Conflicting classifications of pathogenicity. Review status: criteria provided, conflicting classifications (1 of 4 stars). 4 submissions from 4 submitters: Uncertain significance (2); Likely benign (2). Last evaluated 2025-11-10.

Conditions:
Hereditary cancer-predisposing syndrome. Also called: Tumor predisposition; Hereditary Cancer Syndrome; Hereditary neoplastic syndrome; Neoplastic Syndromes, Hereditary. Identifiers: Orphanet 140162, MedGen C0027672, MeSH D009386, MONDO:0015356.
Hereditary breast ovarian cancer syndrome. Also called: Hereditary breast and ovarian cancer syndrome (HBOC); Hereditary breast and/or ovarian cancer syndrome; Hereditary breast and ovarian cancer syndrome; Breast and ovarian cancer; BRCA1- and BRCA2-Associated Hereditary Breast and Ovarian Cancer; Hereditary breast and ovarian cancer. Identifiers: Orphanet 145, MedGen C0677776, MeSH D061325, MONDO:0003582. Disease mechanism: loss of function.

Submissions (4):

Labcorp Genetics (formerly Invitae), Labcorp
Classification: Uncertain significance for Hereditary breast ovarian cancer syndrome. Last evaluated: 2025-11-10. Review status: criteria provided, single submitter. Criteria: Invitae Variant Classification Sherloc (09022015). Collection method: clinical testing. Allele origin: germline.
Comment: This sequence change replaces proline, which is neutral and non-polar, with alanine, which is neutral and non-polar, at codon 606 of the BRCA2 protein (p.Pro606Ala). This variant is not present in population databases (gnomAD no frequency). This variant has not been reported in the literature in individuals affected with BRCA2-related conditions. ClinVar contains an entry for this variant (Variation ID: 1967187). Invitae Evidence Modeling of protein sequence and biophysical properties (such as structural, functional, and spatial information, amino acid conservation, physicochemical variation, residue mobility, and thermodynamic stability) indicates that this missense variant is not expected to disrupt BRCA2 protein function with a negative predictive value of 95%. In summary, the available evidence is currently insufficient to determine the role of this variant in disease. Therefore, it has been classified as a Variant of Uncertain Significance.

Ambry Genetics
Classification: Likely benign for Hereditary cancer-predisposing syndrome. Last evaluated: 2025-06-24. Review status: criteria provided, single submitter. Criteria: Ambry Variant Classification Scheme 2023. Collection method: clinical testing. Allele origin: germline.

Color Diagnostics, LLC DBA Color Health
Classification: Uncertain significance for Hereditary cancer-predisposing syndrome. Last evaluated: 2024-04-07. Review status: criteria provided, single submitter. Criteria: ACMG Guidelines, 2015. Collection method: clinical testing. Allele origin: germline.
Comment: This missense variant replaces proline with alanine at codon 606 of the BRCA2 protein. Computational prediction suggests that this variant may not impact protein structure and function (internally defined REVEL score threshold <= 0.5, PMID: 27666373). To our knowledge, functional studies have not been reported for this variant. This variant has not been reported in individuals affected with BRCA2-related disorders in the literature. This variant has not been identified in the general population by the Genome Aggregation Database (gnomAD). The available evidence is insufficient to determine the role of this variant in disease conclusively. Therefore, this variant is classified as a Variant of Uncertain Significance.

University of Washington Department of Laboratory Medicine, University of Washington
Classification: Likely benign for Hereditary cancer-predisposing syndrome. Last evaluated: 2023-03-23. Review status: criteria provided, single submitter. Criteria: Dines et al. (Genet Med. 2020). Collection method: curation. Allele origin: germline.
Comment: Missense variant in a coldspot region where missense variants are very unlikely to be pathogenic (PMID:31911673).

BRCA2 exon 10 coldspot. Reclassification based on statistical prior probability.

NM_000059.4(BRCA2):c.1816C>G (p.Pro606Ala)

Gene: BRCA2 (BRCA2 DNA repair associated; plus strand). Cytogenetic location: 13q13.1.
Variant type: single nucleotide variant.
Coding change: c.1816C>G on transcript NM_000059.4 (MANE Select); coding-DNA position 1816, C replaced by G.
Protein change: p.Pro606Ala; replaces proline 606 with alanine.
Molecular consequence: missense variant.
Genome position (GRCh38, 1-based): chr13:32,333,294, C>G. VCF-style: chr13-32333294-C-G. GRCh37 (hg19) VCF-style: chr13-32907431-C-G.
Other names: c.1816C>G, p.Pro606Ala (NM_001406719.1, NM_001406720.1, NM_001406721.1); short protein forms P606A.
Identifiers: ClinVar variation 1967187 (VCV001967187.9), dbSNP rs765924757, ClinGen allele CA387766020.